The following is an entry in ClinVar:

ClinVar aggregate classification (germline): Uncertain significance (1 of 4 stars; one submission).

Conditions:
Familial adenomatous polyposis 1 (FAP1). Also called: POLYPOSIS, ADENOMATOUS INTESTINAL; FAMILIAL ADENOMATOUS POLYPOSIS 1, ATTENUATED. Identifiers: MedGen C2713442, MONDO:0021056, OMIM 175100. Disease mechanism: loss of function.

Submission:

Labcorp Genetics (formerly Invitae), Labcorp
Classification: Uncertain significance for Familial adenomatous polyposis 1. Last evaluated: 2024-03-06. Review status: criteria provided, single submitter. Criteria: Invitae Variant Classification Sherloc (09022015). Collection method: clinical testing. Allele origin: germline.
Comment: This sequence change replaces serine, which is neutral and polar, with phenylalanine, which is neutral and non-polar, at codon 2764 of the APC protein (p.Ser2764Phe). This variant is not present in population databases (gnomAD no frequency). This variant has not been reported in the literature in individuals affected with APC-related conditions. ClinVar contains an entry for this variant (Variation ID: 470136). Advanced modeling of protein sequence and biophysical properties (such as structural, functional, and spatial information, amino acid conservation, physicochemical variation, residue mobility, and thermodynamic stability) performed at Invitae indicates that this missense variant is not expected to disrupt APC protein function with a negative predictive value of 95%. In summary, the available evidence is currently insufficient to determine the role of this variant in disease. Therefore, it has been classified as a Variant of Uncertain Significance.

NM_000038.6(APC):c.8291C>T (p.Ser2764Phe)

Gene: APC (APC regulator of Wnt signaling pathway; plus strand). Cytogenetic location: 5q22.2.
Variant type: single nucleotide variant.
Coding change: c.8291C>T on transcript NM_000038.6 (MANE Select); coding-DNA position 8291, C replaced by T.
Protein change: p.Ser2764Phe; replaces serine 2764 with phenylalanine.
Molecular consequence: missense variant.
Genome position (GRCh38, 1-based): chr5:112,843,885, C>T. VCF-style: chr5-112843885-C-T. GRCh37 (hg19) VCF-style: chr5-112179582-C-T.
Other names: c.8291C>T, p.Ser2764Phe (NM_001127510.3, NM_001354895.2); c.8237C>T, p.Ser2746Phe (NM_001127511.3); c.8345C>T, p.Ser2782Phe (NM_001354896.2); c.8321C>T, p.Ser2774Phe (NM_001354897.2); c.8216C>T, p.Ser2739Phe (NM_001354898.2); c.8207C>T, p.Ser2736Phe (NM_001354899.2); c.8168C>T, p.Ser2723Phe (NM_001354900.2); c.8114C>T, p.Ser2705Phe (NM_001354901.2); and 5 more; short protein forms S2746F, S2764F, S2604F, S2638F, S2673F, S2739F, S2774F, S2481F.
Identifiers: ClinVar variation 470136 (VCV000470136.10), dbSNP rs1057520223, ClinGen allele CA16039321.